The following is an entry in ClinVar:

NM_001110556.2(FLNA):c.7756+11T>C

Genes: FLNA (filamin A; minus strand), LOC107988032 (Xq28 proximal FLNA-EMD recombination region; plus strand). Cytogenetic location: Xq28.
Variant type: single nucleotide variant.
Coding change: c.7756+11T>C on transcript NM_001110556.2 (MANE Select); 11 bases into the intron after coding-DNA position 7756, T replaced by C.
Molecular consequence: intron variant.
Genome position (GRCh38, 1-based): chrX:154,349,351, A>G on the plus strand (T>C on the coding strand, the complement: FLNA is on the minus strand). VCF-style: chrX-154349351-A-G. GRCh37 (hg19) VCF-style: chrX-153577719-G-G.
Other names: c.7732+11T>C (NM_001456.4).
Identifiers: ClinVar variation 5037867 (VCV005037867.1), dbSNP rs7063300.

ClinVar aggregate classification (germline): Benign (1 of 4 stars; one submission).

Submission:

Molecular Diagnostic Laboratory for Inherited Cardiovascular Disease, Montreal Heart Institute
Classification: Benign. Last evaluated: 2026-09-21. Review status: criteria provided, single submitter. Criteria: ACMG Guidelines, 2015. Collection method: clinical testing. Allele origin: germline. Affected: no.
Comment: BA1